The following is an entry in ClinVar:

ClinVar aggregate classification (germline): Uncertain significance (1 of 4 stars; one submission).

gnomAD v4.1: 1 of 1,614,200 alleles (0.000062%); highest among the groups gnomAD compares: Non-Finnish European, 0.000085%; no homozygotes.

Submission:

Labcorp Genetics (formerly Invitae), Labcorp
Classification: Uncertain significance. Last evaluated: 2022-03-18. Review status: criteria provided, single submitter. Criteria: Invitae Variant Classification Sherloc (09022015). Collection method: clinical testing. Allele origin: germline.
Comment: In summary, the available evidence is currently insufficient to determine the role of this variant in disease. Therefore, it has been classified as a Variant of Uncertain Significance. Algorithms developed to predict the effect of missense changes on protein structure and function (SIFT, PolyPhen-2, Align-GVGD) all suggest that this variant is likely to be disruptive. This variant has not been reported in the literature in individuals affected with MYH3-related conditions. This variant is not present in population databases (gnomAD no frequency). This sequence change replaces glycine, which is neutral and non-polar, with arginine, which is basic and polar, at codon 559 of the MYH3 protein (p.Gly559Arg).

NM_002470.4(MYH3):c.1675G>A (p.Gly559Arg)

Gene: MYH3 (myosin heavy chain 3; minus strand). Cytogenetic location: 17p13.1.
Variant type: single nucleotide variant.
Coding change: c.1675G>A on transcript NM_002470.4 (MANE Select); coding-DNA position 1675, G replaced by A.
Protein change: p.Gly559Arg; replaces glycine 559 with arginine.
Molecular consequence: missense variant.
Genome position (GRCh38, 1-based): chr17:10,642,630, C>T on the plus strand (G>A on the coding strand, the complement: MYH3 is on the minus strand). VCF-style: chr17-10642630-C-T. GRCh37 (hg19) VCF-style: chr17-10545947-C-T.
Other names: short protein forms G559R.
Identifiers: ClinVar variation 2113444 (VCV002113444.4), dbSNP rs2508612565, ClinGen allele CA398171789.